The following is an entry in ClinVar:

NM_000053.4(ATP7B):c.4305C>T (p.Ser1435=)

Gene: ATP7B (ATPase copper transporting beta; minus strand). Cytogenetic location: 13q14.3.
Variant type: single nucleotide variant.
Coding change: c.4305C>T on transcript NM_000053.4 (MANE Select); coding-DNA position 4305, C replaced by T.
Protein change: p.Ser1435=; no amino-acid change (serine 1435 retained).
Molecular consequence: synonymous variant.
Genome position (GRCh38, 1-based): chr13:51,934,849, G>A on the plus strand (C>T on the coding strand, the complement: ATP7B is on the minus strand). VCF-style: chr13-51934849-G-A. GRCh37 (hg19) VCF-style: chr13-52508985-G-A.
Other names: c.3684C>T, p.Ser1228= (NM_001005918.3); c.3972C>T, p.Ser1324= (NM_001243182.2); c.4071C>T, p.Ser1357= (NM_001330578.2); c.4053C>T, p.Ser1351= (NM_001330579.2).
Identifiers: ClinVar variation 1153633 (VCV001153633.10), dbSNP rs771736533, ClinGen allele CA6988430.
Genomic context (GRCh38, chr13:51,934,849, plus strand): 5'-GAGCAGAGACCACTTGTCCCCATCATCGTCTGCTGCAGCGCTGTGCCGAGATGGCTTGTC[G>A]GACGTCAGGGAGGACAGCGACACCTGGCTGACATAGCTGACCTGGTCCCATGGTGTGGCC-3'
Protein context (NP_000044.2, residues 1425-1445): VSQVSLSSLT[Ser1435=]DKPSRHSAAA

ClinVar aggregate classification (germline): Likely benign. Review status: criteria provided, multiple submitters, no conflicts (2 of 4 stars). 2 submissions from 2 submitters: Likely benign (2). Last evaluated 2026-01-02.

Conditions:
Wilson disease (WND). Also called: Wilson's disease. Identifiers: Orphanet 905, MedGen C0019202, MONDO:0010200, OMIM 277900. Disease mechanism: loss of function.

Allele frequency attached by ClinVar (database versions not stated): gnomAD exomes below 0.00001 and 0.00002; TOPMed below 0.00001; ExAC 0.00001; gnomAD 0.00001.
gnomAD v4.1: 37 of 1,614,078 alleles (0.0023%); highest among the groups gnomAD compares: East Asian, 0.0089%; no homozygotes.

Submissions (2):

Labcorp Genetics (formerly Invitae), Labcorp
Classification: Likely benign for Wilson disease. Last evaluated: 2026-01-02. Review status: criteria provided, single submitter. Criteria: Invitae Variant Classification Sherloc (09022015). Collection method: clinical testing. Allele origin: germline.

All of Us Research Program, National Institutes of Health
Classification: Likely benign for Wilson disease. Last evaluated: 2023-08-15. Review status: criteria provided, single submitter. Criteria: ACMG Guidelines, 2015. Collection method: clinical testing. Allele origin: germline. Inheritance: Autosomal recessive inheritance. Observed: 4 variant alleles, 4 heterozygotes.
Comment: This study involves interpretation of variants in research participants for the purpose of population health screening. Participant phenotype was not available at the time of variant classification. Additional details can be found in publication PMID: 35346344, PMCID: PMC8962531